The following is an entry in ClinVar:

NM_020436.5(SALL4):c.1217G>A (p.Gly406Glu)

Gene: SALL4 (spalt like transcription factor 4; minus strand). Cytogenetic location: 20q13.2.
Variant type: single nucleotide variant.
Coding change: c.1217G>A on transcript NM_020436.5 (MANE Select); coding-DNA position 1217, G replaced by A.
Protein change: p.Gly406Glu; replaces glycine 406 with glutamic acid.
Molecular consequence: missense variant. On other transcripts: intron variant (1).
Genome position (GRCh38, 1-based): chr20:51,791,266, C>T on the plus strand (G>A on the coding strand, the complement: SALL4 is on the minus strand). VCF-style: chr20-51791266-C-T. GRCh37 (hg19) VCF-style: chr20-50407805-C-T.
Other names: c.1150+67G>A (NM_001318031.2); c.1217G>A (NM_020436.4); short protein forms G406E.
Identifiers: ClinVar variation 2500626 (VCV002500626.2), dbSNP rs909632001, ClinGen allele CA315374139.

ClinVar aggregate classification (germline): Uncertain significance. Review status: criteria provided, multiple submitters, no conflicts (2 of 4 stars). 2 submissions from 2 submitters: Uncertain significance (2). Last evaluated 2023-04-24.

Conditions:
SALL4-Related Disorders. Also called: SALL4-related condition; SALL4-related disorder. Identifiers: MedGen CN381056.

Allele frequency attached by ClinVar (database versions not stated): gnomAD exomes below 0.00001; TOPMed 0.00001.
gnomAD v4.1: 2 of 1,614,136 alleles (0.00012%); highest among the groups gnomAD compares: Non-Finnish European, 0.00017%; no homozygotes.

Submissions (2):

PreventionGenetics, part of Exact Sciences
Classification: Uncertain significance for SALL4-related condition. Last evaluated: 2023-04-24. Review status: criteria provided, single submitter. Criteria: ACMG Guidelines, 2015. Collection method: clinical testing. Allele origin: germline.
Comment: The SALL4 c.1217G>A variant is predicted to result in the amino acid substitution p.Gly406Glu. To our knowledge, this variant has not been reported in the literature. This variant is reported in 0.00088% of alleles in individuals of European (Non-Finnish) descent in gnomAD. At this time, the clinical significance of this variant is uncertain due to the absence of conclusive functional and genetic evidence.

GeneDx
Classification: Uncertain significance. Last evaluated: 2022-10-28. Review status: criteria provided, single submitter. Criteria: GeneDx Variant Classification Process June 2021. Collection method: clinical testing. Allele origin: germline. Affected: yes.
Comment: Not observed at significant frequency in large population cohorts (gnomAD); In silico analysis supports that this missense variant has a deleterious effect on protein structure/function; Has not been previously published as pathogenic or benign to our knowledge